The following is an entry in ClinVar:

ClinVar aggregate classification (germline): Uncertain significance. Review status: criteria provided, multiple submitters, no conflicts (2 of 4 stars). 2 submissions from 2 submitters: Uncertain significance (2). Last evaluated 2026-01-18.

Conditions:
Inborn genetic diseases. Identifiers: MedGen C0950123, MeSH D030342.
Baller-Gerold syndrome (BGS). Also called: CRANIOSYNOSTOSIS WITH RADIAL DEFECTS. Identifiers: Orphanet 1225, MedGen C0265308, MONDO:0009039, OMIM 218600.

gnomAD v4.1: 1 of 1,612,808 alleles (0.000062%); highest among the groups gnomAD compares: Non-Finnish European, 0.000085%; no homozygotes.

Submissions (2):

Ambry Genetics
Classification: Uncertain significance for Inborn genetic diseases. Last evaluated: 2026-01-18. Review status: criteria provided, single submitter. Criteria: Ambry Variant Classification Scheme 2023. Collection method: clinical testing. Allele origin: germline.
Comment: The p.L339V variant (also known as c.1015C>G), located in coding exon 5 of the RECQL4 gene, results from a C to G substitution at nucleotide position 1015. The leucine at codon 339 is replaced by valine, an amino acid with highly similar properties. This amino acid position is conserved. In addition, this alteration is predicted to be tolerated by in silico analysis. Based on the available evidence, the clinical significance of this variant remains unclear.

Labcorp Genetics (formerly Invitae), Labcorp
Classification: Uncertain significance for Baller-Gerold syndrome. Last evaluated: 2022-01-16. Review status: criteria provided, single submitter. Criteria: Invitae Variant Classification Sherloc (09022015). Collection method: clinical testing. Allele origin: germline.
Comment: Experimental studies and prediction algorithms are not available or were not evaluated, and the functional significance of this variant is currently unknown. In summary, the available evidence is currently insufficient to determine the role of this variant in disease. Therefore, it has been classified as a Variant of Uncertain Significance. This variant has not been reported in the literature in individuals affected with RECQL4-related conditions. This variant is not present in population databases (gnomAD no frequency). This sequence change replaces leucine, which is neutral and non-polar, with valine, which is neutral and non-polar, at codon 339 of the RECQL4 protein (p.Leu339Val).

NM_004260.4(RECQL4):c.1015C>G (p.Leu339Val)

Gene: RECQL4 (RecQ like helicase 4; minus strand). Cytogenetic location: 8q24.3.
Variant type: single nucleotide variant.
Coding change: c.1015C>G on transcript NM_004260.4 (MANE Select); coding-DNA position 1015, C replaced by G.
Protein change: p.Leu339Val; replaces leucine 339 with valine.
Molecular consequence: missense variant.
Genome position (GRCh38, 1-based): chr8:144,516,104, G>C on the plus strand (C>G on the coding strand, the complement: RECQL4 is on the minus strand). VCF-style: chr8-144516104-G-C. GRCh37 (hg19) VCF-style: chr8-145741488-G-C.
Other names: c.1015C>G, p.Leu339Val (NM_001413018.1, NM_001413019.1, NM_001413033.1 and 2 more transcripts); c.-57C>G (NM_001413021.1, NM_001413022.1, NM_001413023.1 and 7 more transcripts); c.886C>G, p.Leu296Val (NM_001413025.1); c.-119C>G (NM_001413027.1, NM_001413030.1, NM_001413031.1 and 2 more transcripts); c.664C>G, p.Leu222Val (NM_001413029.1); c.-326C>G (NM_001413043.1); c.1015C>G (NM_004260.3); short protein forms L339V, L222V, L296V.
Identifiers: ClinVar variation 2182963 (VCV002182963.5), dbSNP rs1238794881, ClinGen allele CA372688305.
Genomic context (GRCh38, chr8:144,516,104, plus strand): 5'-TCATGTTGAGCCGTACGTAATTGCCCCTGTCATGGCGGGCCAGCCGAGGGAAGATGTGCA[G>C]GGGGGCTGTGCCCTCAGCCTTCCCAGCCCTAGCTTGACTGGAGGGGCTGAGTCCGTGGTA-3'
Protein context (NP_004251.4, residues 329-349): RAGKAEGTAP[Leu339Val]HIFPRLARHD